The following is an entry in ClinVar:

ClinVar aggregate classification (germline): Pathogenic/Likely pathogenic. Review status: criteria provided, multiple submitters, no conflicts (2 of 4 stars). 2 submissions from 2 submitters: Pathogenic (1); Likely pathogenic (1). Last evaluated 2025-12-13.

Conditions:
Glutaric aciduria, type 1. Also called: Glutaryl-CoA dehydrogenase deficiency; Glutaric Acidemia Type 1; GA I; Glutaricaciduria, type I; Glutaric acidemia type I; Glutaricacidemia Type 1. Identifiers: Orphanet 25, MedGen C0268595, MONDO:0009281, OMIM 231670.

Allele frequency attached by ClinVar (database versions not stated): gnomAD exomes below 0.00001; TOPMed below 0.00001; gnomAD 0.00001.
gnomAD v4.1: 8 of 1,614,026 alleles (0.0005%); highest among the groups gnomAD compares: African/African-American, 0.0027%; no homozygotes.

Submissions (2):

Labcorp Genetics (formerly Invitae), Labcorp
Classification: Pathogenic for Glutaric aciduria, type 1. Last evaluated: 2025-12-13. Review status: criteria provided, single submitter. Criteria: Invitae Variant Classification Sherloc (09022015). Collection method: clinical testing. Allele origin: germline.
Comment: This sequence change replaces serine, which is neutral and polar, with proline, which is neutral and non-polar, at codon 255 of the GCDH protein (p.Ser255Pro). This variant is not present in population databases (gnomAD no frequency). This missense change has been observed in individual(s) with glutaric acidemia type I (PMID: 34504725). ClinVar contains an entry for this variant (Variation ID: 2915960). Invitae Evidence Modeling of protein sequence and biophysical properties (such as structural, functional, and spatial information, amino acid conservation, physicochemical variation, residue mobility, and thermodynamic stability) indicates that this missense variant is expected to disrupt GCDH protein function with a positive predictive value of 80%. This variant disrupts the p.Ser255 amino acid residue in GCDH. Other variant(s) that disrupt this residue have been determined to be pathogenic (PMID: 10960496, 25204480, 25762492, 27351573). This suggests that this residue is clinically significant, and that variants that disrupt this residue are likely to be disease-causing. For these reasons, this variant has been classified as Pathogenic.

Natera, Inc.
Classification: Likely pathogenic for Glutaric acidemia type 1. Last evaluated: 2024-02-25. Review status: criteria provided, single submitter. Criteria: Natera Variant Classification Schema (03/2026). Collection method: clinical testing. Allele origin: germline.
Comment: The c.763T>C variant in GCDH is a missense variant predicted to cause substitution of serine to proline at amino acid 255. This variant is rare in the general population with a frequency below the threshold expected for the associated phenotype(s). This variant has been observed in one or more individuals affected with the associated recessive disease, as either homozygous or compound heterozygous with a second variant (PMID: 34504725). A different variant at the same position has been determined to be Pathogenic or Likely Pathogenic. Computational prediction algorithms indicate this variant is likely to affect gene or protein function. Given the available evidence, this variant is classified as Likely Pathogenic.

Literature cited by the submitters: PubMed 34504725 (cited by Labcorp Genetics (formerly Invitae), Labcorp and Natera, Inc.); PubMed 10960496 (cited by Labcorp Genetics (formerly Invitae), Labcorp); PubMed 25204480 (cited by Labcorp Genetics (formerly Invitae), Labcorp); PubMed 25762492 (cited by Labcorp Genetics (formerly Invitae), Labcorp); PubMed 27351573 (cited by Labcorp Genetics (formerly Invitae), Labcorp).

NM_000159.4(GCDH):c.763T>C (p.Ser255Pro)

Gene: GCDH (glutaryl-CoA dehydrogenase; plus strand). Cytogenetic location: 19p13.13.
Variant type: single nucleotide variant.
Coding change: c.763T>C on transcript NM_000159.4 (MANE Select); coding-DNA position 763, T replaced by C.
Protein change: p.Ser255Pro; replaces serine 255 with proline.
Molecular consequence: missense variant. On other transcripts: non-coding transcript variant (2).
Genome position (GRCh38, 1-based): chr19:12,896,332, T>C. VCF-style: chr19-12896332-T-C. GRCh37 (hg19) VCF-style: chr19-13007146-T-C.
Other names: c.763T>C, p.Ser255Pro (NM_013976.5); c.763T>C (NM_000159.3); short protein forms S255P.
Identifiers: ClinVar variation 2915960 (VCV002915960.4), dbSNP rs1479265777, ClinGen allele CA404318877.